The following is an entry in ClinVar:

NM_201384.3(PLEC):c.11359AAG[1] (p.Lys3788del)

Gene: PLEC (plectin; minus strand). Cytogenetic location: 8q24.3.
Variant type: Microsatellite.
Coding change: c.11359AAG[1] on transcript NM_201384.3 (MANE Select); one copy of the 3-base unit AAG starting at c.11359; the reference has two copies in a row; one copy, 3 bases deleted.
Protein change: p.Lys3788del; deletes lysine 3788.
Genome position (GRCh38, 1-based): chr8:143,918,457-143,918,459, CTT deleted on the plus strand (AAG on the coding strand, the reverse complement: PLEC is on the minus strand); deleting any 3 consecutive bases within chr8:143,918,457-143,918,463 gives the same sequence; the position shown is the placement nearest the transcript's 3' end. VCF-style (leftmost placement, unchanged base first): chr8-143918456-CCTT-C. GRCh37 (hg19) VCF-style: chr8-144992624-CCTT-C.
Other names: c.11440AAG[1], p.Lys3815del (NM_000445.5); c.8059AAG[1], p.Lys2688del (NM_001410941.1); c.11317AAG[1], p.Lys3774del (NM_201378.4); c.11293AAG[1], p.Lys3766del (NM_201379.3); c.11770AAG[1], p.Lys3925del (NM_201380.4); c.11263AAG[1], p.Lys3756del (NM_201381.3); c.11359AAG[1], p.Lys3788del (NM_201382.4); c.11371AAG[1], p.Lys3792del (NM_201383.3); short protein forms K3766del, K3815del, K3925del, K3756del, K3788del, K3792del, K3774del, K2688del.
Identifiers: ClinVar variation 4791460 (VCV004791460.1).

ClinVar aggregate classification (germline): Uncertain significance (1 of 4 stars; one submission).

Conditions:
Epidermolysis bullosa simplex with nail dystrophy (EBS5D). Identifiers: MedGen C4225309, MONDO:0014661, OMIM 616487.
Epidermolysis bullosa simplex, Ogna type (EBS5A). Also called: EPIDERMOLYSIS BULLOSA SIMPLEX 5A, OGNA TYPE; Pidermolysis bullosa simplex 5A, Ogna type. Identifiers: Orphanet 79401, MedGen C0432317, MONDO:0007555, OMIM 131950.
Autosomal recessive limb-girdle muscular dystrophy type 2Q (LGMDR17). Also called: MUSCULAR DYSTROPHY, LIMB-GIRDLE, AUTOSOMAL RECESSIVE 17. Identifiers: Orphanet 254361, MedGen C3150989, MONDO:0013390, OMIM 613723.
Epidermolysis bullosa simplex 5B, with muscular dystrophy (EBS5B). Also called: EPIDERMOLYSIS BULLOSA SIMPLEX AND LIMB-GIRDLE MUSCULAR DYSTROPHY; Epidermolysis bullosa simplex with muscular dystrophy. Identifiers: Orphanet 257, MedGen C2931072, MONDO:0009181, OMIM 226670.
Epidermolysis bullosa simplex 5C, with pyloric atresia (EBS5C). Also called: PLEC-Related Epidermolysis Bullosa with Pyloric Atresia; Epidermolysis bullosa simplex with pyloric atresia; PLEC1-Related Epidermolysis Bullosa with Pyloric Atresia. Identifiers: Orphanet 158684, MedGen C2677349, MONDO:0012807, OMIM 612138.

Submission:

Labcorp Genetics (formerly Invitae), Labcorp
Classification: Uncertain significance for Autosomal recessive limb-girdle muscular dystrophy type 2Q; Epidermolysis bullosa simplex, Ogna type; Epidermolysis bullosa simplex with nail dystrophy; Epidermolysis bullosa simplex 5C, with pyloric atresia; Epidermolysis bullosa simplex 5B, with muscular dystrophy. Last evaluated: 2025-05-07. Review status: criteria provided, single submitter. Criteria: Invitae Variant Classification Sherloc (09022015). Collection method: clinical testing. Allele origin: germline.
Comment: This variant, c.11443_11445del, results in the deletion of 1 amino acid(s) of the PLEC protein (p.Lys3815del), but otherwise preserves the integrity of the reading frame. This variant is not present in population databases (gnomAD no frequency). This variant has not been reported in the literature in individuals affected with PLEC-related conditions. Experimental studies and prediction algorithms are not available or were not evaluated, and the functional significance of this variant is currently unknown. In summary, the available evidence is currently insufficient to determine the role of this variant in disease. Therefore, it has been classified as a Variant of Uncertain Significance.